The following is an entry in ClinVar:

ClinVar aggregate classification (germline): Benign (1 of 4 stars; one submission).

Allele frequency attached by ClinVar (database versions not stated): gnomAD 0.07861 and 0.08431; TOPMed 0.08823; 1000 Genomes Project 0.09105; 1000 Genomes Project 30x 0.09838.

Submission:

GeneDx
Classification: Benign. Last evaluated: 2018-06-14. Review status: criteria provided, single submitter. Criteria: GeneDx Variant Classification (06012015). Collection method: clinical testing. Allele origin: germline. Affected: yes.
Comment: This variant is considered likely benign or benign based on one or more of the following criteria: it is a conservative change, it occurs at a poorly conserved position in the protein, it is predicted to be benign by multiple in silico algorithms, and/or has population frequency not consistent with disease.

NM_004415.4(DSP):c.170+163C>T

Genes: DSP (desmoplakin; plus strand), DSP-AS1 (DSP antisense RNA 1; minus strand). Cytogenetic location: 6p24.3.
Variant type: single nucleotide variant.
Coding change: c.170+163C>T on transcript NM_004415.4 (MANE Select); 163 bases into the intron after coding-DNA position 170, C replaced by T.
Molecular consequence: intron variant.
Genome position (GRCh38, 1-based): chr6:7,542,248, C>T. VCF-style: chr6-7542248-C-T. GRCh37 (hg19) VCF-style: chr6-7542481-C-T.
Other names: c.170+163C>T (NM_001319034.2, NM_001008844.3).
Identifiers: ClinVar variation 673816 (VCV000673816.1), dbSNP rs2806168, ClinGen allele CA16253191.